The following is an entry in ClinVar:

ClinVar aggregate classification (germline): Likely benign (1 of 4 stars; one submission).

gnomAD v4.1: 39 of 1,611,178 alleles (0.0024%); highest among the groups gnomAD compares: Middle Eastern, 0.016%; no homozygotes.

Submission:

CeGaT Center for Human Genetics Tuebingen
Classification: Likely benign. Last evaluated: 2026-05-01. Review status: criteria provided, single submitter. Criteria: CeGaT Center For Human Genetics Tuebingen Variant Classification Criteria Version 2. Collection method: clinical testing. Allele origin: germline. Affected: yes. Observed: 1 variant allele.
Comment: DZIP1: BP4, BP7

NM_198968.4(DZIP1):c.264G>A (p.Thr88=)

Gene: DZIP1 (DAZ interacting zinc finger protein 1; minus strand). Cytogenetic location: 13q32.1.
Variant type: single nucleotide variant.
Coding change: c.264G>A on transcript NM_198968.4 (MANE Select); coding-DNA position 264, G replaced by A.
Protein change: p.Thr88=; no amino-acid change (threonine 88 retained).
Molecular consequence: synonymous variant.
Genome position (GRCh38, 1-based): chr13:95,641,628, C>T on the plus strand (G>A on the coding strand, the complement: DZIP1 is on the minus strand). VCF-style: chr13-95641628-C-T. GRCh37 (hg19) VCF-style: chr13-96293882-C-T.
Other names: c.264G>A, p.Thr88= (NM_014934.5).
Identifiers: ClinVar variation 4873664 (VCV004873664.2).
Genomic context (GRCh38, chr13:95,641,628, plus strand): 5'-GTGTGGGCACTTCTCGTCTTCCAGCTTGCAGAAGGTGATGTTCATGATGTTCTCCTGCAG[C>T]GTCAGCACGTCCACAGCCCCCGCCACCTTGTCCACGTCGATGGCGCTCAGCCGCCGCCAG-3'
Protein context (NP_945319.1, residues 78-98): DKVAGAVDVL[Thr88=]LQENIMNITF